The following is an entry in ClinVar:

ClinVar aggregate classification (germline): Conflicting classifications of pathogenicity. Review status: criteria provided, conflicting classifications (1 of 4 stars). 2 submissions from 2 submitters: Uncertain significance (1); Likely benign (1). Last evaluated 2023-11-16.

Conditions:
Osteogenesis imperfecta type I (OI1). Also called: OI, TYPE I; OSTEOGENESIS IMPERFECTA TARDA; OSTEOGENESIS IMPERFECTA WITH BLUE SCLERAE; Osteogenesis imperfecta type 1; Lobstein's Disease; Lobstein disease. Identifiers: Orphanet 216796, Orphanet 666, MedGen C0023931, MONDO:0008146, OMIM 166200. Disease mechanism: loss of function.

Allele frequency attached by ClinVar (database versions not stated): gnomAD exomes 0.00001; TOPMed 0.00001.
gnomAD v4.1: 4 of 1,614,028 alleles (0.00025%); highest among the groups gnomAD compares: Non-Finnish European, 0.00034%; no homozygotes.

Submissions (2):

GeneDx
Classification: Uncertain significance. Last evaluated: 2023-11-16. Review status: criteria provided, single submitter. Criteria: GeneDx Variant Classification Process June 2021. Collection method: clinical testing. Allele origin: germline. Affected: yes.
Comment: Not observed at significant frequency in large population cohorts (gnomAD); In silico analysis supports that this missense variant does not alter protein structure/function; Has not been previously published as pathogenic or benign to our knowledge; Not located in the triple helical region, where the majority of pathogenic missense variants occur (HGMD)

Labcorp Genetics (formerly Invitae), Labcorp
Classification: Likely benign for Osteogenesis imperfecta type I. Last evaluated: 2022-10-13. Review status: criteria provided, single submitter. Criteria: Invitae Variant Classification Sherloc (09022015). Collection method: clinical testing. Allele origin: germline.

NM_000088.4(COL1A1):c.3668T>A (p.Val1223Glu)

Gene: COL1A1 (collagen type I alpha 1 chain; minus strand). Cytogenetic location: 17q21.33.
Variant type: single nucleotide variant.
Coding change: c.3668T>A on transcript NM_000088.4 (MANE Select); coding-DNA position 3668, T replaced by A.
Protein change: p.Val1223Glu; replaces valine 1223 with glutamic acid.
Molecular consequence: missense variant.
Genome position (GRCh38, 1-based): chr17:50,186,786, A>T on the plus strand (T>A on the coding strand, the complement: COL1A1 is on the minus strand). VCF-style: chr17-50186786-A-T. GRCh37 (hg19) VCF-style: chr17-48264147-A-T.
Other names: short protein forms V1223E.
Identifiers: ClinVar variation 2179129 (VCV002179129.5), dbSNP rs1409382717, ClinGen allele CA400197302.